The following is an entry in ClinVar:

ClinVar aggregate classification (germline): Uncertain significance (1 of 4 stars; one submission).

Submission:

Labcorp Genetics (formerly Invitae), Labcorp
Classification: Uncertain significance. Last evaluated: 2024-03-02. Review status: criteria provided, single submitter. Criteria: Invitae Variant Classification Sherloc (09022015). Collection method: clinical testing. Allele origin: germline.
Comment: This sequence change replaces aspartic acid, which is acidic and polar, with alanine, which is neutral and non-polar, at codon 1204 of the ATR protein (p.Asp1204Ala). This variant is not present in population databases (gnomAD no frequency). This variant has not been reported in the literature in individuals affected with ATR-related conditions. An algorithm developed to predict the effect of missense changes on protein structure and function (PolyPhen-2) suggests that this variant is likely to be disruptive. In summary, the available evidence is currently insufficient to determine the role of this variant in disease. Therefore, it has been classified as a Variant of Uncertain Significance.

NM_001184.4(ATR):c.3611A>C (p.Asp1204Ala)

Gene: ATR (ATR checkpoint kinase; minus strand). Cytogenetic location: 3q23.
Variant type: single nucleotide variant.
Coding change: c.3611A>C on transcript NM_001184.4 (MANE Select); coding-DNA position 3611, A replaced by C.
Protein change: p.Asp1204Ala; replaces aspartic acid 1204 with alanine.
Molecular consequence: missense variant.
Genome position (GRCh38, 1-based): chr3:142,538,596, T>G on the plus strand (A>C on the coding strand, the complement: ATR is on the minus strand). VCF-style: chr3-142538596-T-G. GRCh37 (hg19) VCF-style: chr3-142257438-T-G.
Other names: c.3419A>C, p.Asp1140Ala (NM_001354579.2); short protein forms D1140A, D1204A.
Identifiers: ClinVar variation 3644143 (VCV003644143.2).